The following is an entry in ClinVar:

NM_001365276.2(TNXB):c.10484T>C (p.Val3495Ala)

Gene: TNXB (tenascin XB; minus strand). Cytogenetic location: 6p21.33.
Variant type: single nucleotide variant.
Coding change: c.10484T>C on transcript NM_001365276.2 (MANE Select); coding-DNA position 10484, T replaced by C.
Protein change: p.Val3495Ala; replaces valine 3495 with alanine.
Molecular consequence: missense variant.
Genome position (GRCh38, 1-based): chr6:32,046,297, A>G on the plus strand (T>C on the coding strand, the complement: TNXB is on the minus strand). VCF-style: chr6-32046297-A-G. GRCh37 (hg19) VCF-style: chr6-32014074-A-G.
Other names: c.11225T>C, p.Val3742Ala (NM_001428335.1); c.10478T>C, p.Val3493Ala (NM_019105.8); short protein forms V3493A, V3495A, V3742A.
Identifiers: ClinVar variation 3389641 (VCV003389641.14).

ClinVar aggregate classification (germline): Uncertain significance (1 of 4 stars; one submission).

Submission:

CeGaT Center for Human Genetics Tuebingen
Classification: Uncertain significance. Last evaluated: 2024-09-01. Review status: criteria provided, single submitter. Criteria: CeGaT Center For Human Genetics Tuebingen Variant Classification Criteria Version 2. Collection method: clinical testing. Allele origin: germline. Affected: yes. Observed: 1 variant allele.
Comment: TNXB: PM2, BP4